The following is an entry in ClinVar:

ClinVar aggregate classification (germline): Uncertain significance (1 of 4 stars; one submission).

Submission:

GeneDx
Classification: Uncertain significance. Last evaluated: 2024-03-27. Review status: criteria provided, single submitter. Criteria: GeneDx Variant Classification Process June 2021. Collection method: clinical testing. Allele origin: germline. Affected: yes.
Comment: Not observed at significant frequency in large population cohorts (gnomAD); In silico analysis supports that this missense variant has a deleterious effect on protein structure/function; Has not been previously published as pathogenic or benign to our knowledge

NM_001127644.2(GABRA1):c.1249A>T (p.Ser417Cys)

Gene: GABRA1 (gamma-aminobutyric acid type A receptor subunit alpha1; plus strand). Cytogenetic location: 5q34.
Variant type: single nucleotide variant.
Coding change: c.1249A>T on transcript NM_001127644.2 (MANE Select); coding-DNA position 1249, A replaced by T.
Protein change: p.Ser417Cys; replaces serine 417 with cysteine.
Molecular consequence: missense variant.
Genome position (GRCh38, 1-based): chr5:161,897,300, A>T. VCF-style: chr5-161897300-A-T. GRCh37 (hg19) VCF-style: chr5-161324306-A-T.
Other names: c.1249A>T, p.Ser417Cys (NM_000806.5, NM_001127643.2, NM_001127645.2 and 1 more transcripts); short protein forms S417C.
Identifiers: ClinVar variation 3253135 (VCV003253135.1), dbSNP rs2532296454.